The following is an entry in ClinVar:

NM_001165963.4(SCN1A):c.2947del

Gene: SCN1A (sodium voltage-gated channel alpha subunit 1; minus strand). Cytogenetic location: 2q24.3.
Variant type: Deletion.
Coding change: c.2947del on transcript NM_001165963.4 (MANE Select); coding-DNA position 2947, one base deleted (G; older notation c.2947delG).
Molecular consequence: splice acceptor variant.
Genome position (GRCh38, 1-based): chr2:166,036,530, C deleted on the plus strand (G on the coding strand, the reverse complement: SCN1A is on the minus strand); the first of 2 consecutive C bases (chr2:166,036,530-166,036,531); deleting either gives the same sequence. VCF-style (leftmost placement, unchanged base first): chr2-166036529-AC-A. GRCh37 (hg19) VCF-style: chr2-166893039-AC-A.
Other names: c.2946delG (NM_001165963.1).
Identifiers: ClinVar variation 189866 (VCV000189866.2), dbSNP rs1696406839, ClinGen allele CA1139657312.

ClinVar aggregate classification (germline): Pathogenic. Review status: criteria provided, multiple submitters, no conflicts (2 of 4 stars). 2 submissions from 2 submitters: Pathogenic (2). Last evaluated 2018-04-12.

Conditions:
Severe myoclonic epilepsy in infancy (DRVT). Also called: Epileptic encephalopathy, early infantile, 6 (Dravet syndrome); SEVERE MYOCLONIC EPILEPSY OF INFANCY; DEVELOPMENTAL AND EPILEPTIC ENCEPHALOPATHY 6A; Severe Myoclonic Epilepsy in Infancy (SMEI); Dravet syndrome. Identifiers: Orphanet 33069, MedGen C0751122, MONDO:0100135, OMIM 607208.

Submissions (2):

GeneDx
Classification: Pathogenic. Last evaluated: 2018-04-12. Review status: criteria provided, single submitter. Criteria: GeneDx Variant Classification (06012015). Collection method: clinical testing. Allele origin: germline. Affected: yes.
Comment: The c.2947delG variant in the SCN1A gene has not been reported previously as a pathogenic variant nor as a benign variant, to our knowledge. The c.2947delG variant causes a frameshift starting with codon Valine 983, changes this amino acid to a Serine residue, and creates a premature Stop codon at position 2 of the new reading frame, denoted p.Val983SerfsX2. This variant is predicted to cause loss of normal protein function either through protein truncation or nonsense-mediated mRNA decay. The c.2947delG variant is not observed in large population cohorts (Lek et al., 2016). We interpret c.2947delG as a pathogenic variant.

Center for Bioinformatics, Peking University
Classification: Pathogenic for Dravet syndrome. Last evaluated: 2014-12-20. Review status: criteria provided, single submitter. Criteria: Xu et al. (Hum Mutat. 2015). Collection method: research. Allele origin: de novo. Affected: yes. Observed: 1 variant allele. Study: University Clinical Cooperation “985 Project” PKU-2014-1-1.
Comment: Dravet syndrome (DS) probands were recruited from the outpatient and inpatient child neurology units of Peking University First Hospital from 2005 till present. The study was approved by the Ethics Committee of Peking University First Hospital and the Institutional Review Board at Peking University. Participants or their parents provided written informed consent before enrollment. We collected a total of 267 mutations from 255 families with probands diagnosed with DS in China. All probands fulfilled the clinical diagnostic criteria.